The following is an entry in ClinVar:

ClinVar aggregate classification (germline): Uncertain significance (1 of 4 stars; one submission).

gnomAD v4.1: 12 of 1,614,222 alleles (0.00074%); highest among the groups gnomAD compares: Non-Finnish European, 0.001%; no homozygotes.

Submission:

Ambry Genetics
Classification: Uncertain significance. Last evaluated: 2026-04-28. Review status: criteria provided, single submitter. Criteria: Ambry Variant Classification Scheme 2023. Collection method: clinical testing. Allele origin: germline.
Comment: The p.M53V variant (also known as c.157A>G), located in coding exon 1 of the CDK12 gene, results from an A to G substitution at nucleotide position 157. The methionine at codon 53 is replaced by valine, an amino acid with highly similar properties. This amino acid position is conserved. In addition, this alteration is predicted to be tolerated by in silico analysis. Based on the available evidence, the clinical significance of this variant remains unclear.

NM_016507.4(CDK12):c.157A>G (p.Met53Val)

Genes: CDK12 (cyclin dependent kinase 12; plus strand), LOC126862553 (CDK7 strongly-dependent group 2 enhancer GRCh37_chr17:37618166-37619365; plus strand). Cytogenetic location: 17q12.
Variant type: single nucleotide variant.
Coding change: c.157A>G on transcript NM_016507.4 (MANE Select); coding-DNA position 157, A replaced by G.
Protein change: p.Met53Val; replaces methionine 53 with valine.
Molecular consequence: missense variant.
Genome position (GRCh38, 1-based): chr17:39,462,228, A>G. VCF-style: chr17-39462228-A-G. GRCh37 (hg19) VCF-style: chr17-37618481-A-G.
Other names: c.157A>G, p.Met53Val (NM_015083.4); short protein forms M53V.
Identifiers: ClinVar variation 4868512 (VCV004868512.1).